The following is an entry in ClinVar:

ClinVar aggregate classification (germline): Uncertain significance (1 of 4 stars; one submission).

Conditions:
Ehlers-Danlos syndrome, type 4 (EDSVASC). Also called: Ehlers-Danlos syndrome vascular type; Ehlers Danlos syndrome, ecchymotic type; Ehlers Danlos syndrome, arterial type; Ehlers Danlos syndrome, Sack-Barabas type; Ehlers-Danlos Syndrome Type IV. Identifiers: Orphanet 286, MedGen C0268338, MONDO:0017314, OMIM 130050.

gnomAD v4.1: 1 of 1,614,156 alleles (0.000062%); highest among the groups gnomAD compares: Non-Finnish European, 0.000085%; no homozygotes.

Submission:

All of Us Research Program, National Institutes of Health
Classification: Uncertain significance for Ehlers-Danlos syndrome, type 4. Last evaluated: 2024-09-23. Review status: criteria provided, single submitter. Criteria: ACMG Guidelines, 2015. Collection method: clinical testing. Allele origin: germline. Inheritance: Autosomal dominant inheritance. Observed: 1 variant allele, 1 heterozygote.
Comment: This study involves interpretation of variants in research participants for the purpose of population health screening. Participant phenotype was not available at the time of variant classification. Additional details can be found in publication PMID: 35346344, PMCID: PMC8962531

NM_000090.4(COL3A1):c.3065C>G (p.Pro1022Arg)

Gene: COL3A1 (collagen type III alpha 1 chain; plus strand). Cytogenetic location: 2q32.2.
Variant type: single nucleotide variant.
Coding change: c.3065C>G on transcript NM_000090.4 (MANE Select); coding-DNA position 3065, C replaced by G.
Protein change: p.Pro1022Arg; replaces proline 1022 with arginine.
Molecular consequence: missense variant.
Genome position (GRCh38, 1-based): chr2:189,006,231, C>G. VCF-style: chr2-189006231-C-G. GRCh37 (hg19) VCF-style: chr2-189870957-C-G.
Other names: short protein forms P1022R.
Identifiers: ClinVar variation 3386478 (VCV003386478.1).